The following is an entry in ClinVar:

ClinVar aggregate classification (germline): Uncertain significance. Review status: criteria provided, single submitter (1 of 4 stars). 2 submissions from 2 submitters: Uncertain significance (1). 1 of the submissions does not count toward it. Last evaluated 2023-03-14.

Conditions:
SEMA3E-related disorder. Also called: SEMA3E-related condition.
CHARGE syndrome (CHARGE). Also called: Hittner Hirsch Kreh syndrome; CHARGE ASSOCIATION--COLOBOMA, HEART ANOMALY, CHOANAL ATRESIA, RETARDATION, GENITAL AND EAR ANOMALIES; Coloboma, heart anomaly, choanal atresia, retardation, genital and ear anomalies; CHARGE association; Hall-Hittner syndrome. Identifiers: Orphanet 138, MedGen C0265354, MONDO:0008965.

Allele frequency attached by ClinVar (database versions not stated): ExAC 0.00001; gnomAD 0.00005; TOPMed 0.00005; ESP Exome Variant Server 0.00008; 1000 Genomes Project 30x 0.00016; 1000 Genomes Project 0.00020.
gnomAD v4.1: 12 of 1,613,786 alleles (0.00074%); highest among the groups gnomAD compares: African/African-American, 0.016%; no homozygotes.

Submissions (2):

Labcorp Genetics (formerly Invitae), Labcorp
Classification: Uncertain significance for CHARGE syndrome. Last evaluated: 2023-03-14. Review status: criteria provided, single submitter. Criteria: Invitae Variant Classification Sherloc (09022015). Collection method: clinical testing. Allele origin: germline.
Comment: This variant is present in population databases (rs138211552, gnomAD 0.02%). In summary, the available evidence is currently insufficient to determine the role of this variant in disease. Therefore, it has been classified as a Variant of Uncertain Significance. An algorithm developed to predict the effect of missense changes on protein structure and function (PolyPhen-2) suggests that this variant is likely to be tolerated. This variant has not been reported in the literature in individuals affected with SEMA3E-related conditions. This sequence change replaces methionine, which is neutral and non-polar, with isoleucine, which is neutral and non-polar, at codon 521 of the SEMA3E protein (p.Met521Ile).

PreventionGenetics, part of Exact Sciences
Classification: Uncertain significance for SEMA3E-related condition. Last evaluated: 2024-05-11. Review status: no assertion criteria provided. Collection method: clinical testing. Allele origin: germline. Not counted in ClinVar's aggregate classification.
Comment: The SEMA3E c.1563G>A variant is predicted to result in the amino acid substitution p.Met521Ile. To our knowledge, this variant has not been reported in the literature. This variant is reported in 0.024% of alleles in individuals of African descent in gnomAD, which may be too common to be a primary cause of disease. Although we suspect that this variant may be benign, at this time, the clinical significance of this variant is uncertain due to the absence of conclusive functional and genetic evidence.

NM_012431.3(SEMA3E):c.1563G>A (p.Met521Ile)

Gene: SEMA3E (semaphorin 3E; minus strand). Cytogenetic location: 7q21.11.
Variant type: single nucleotide variant.
Coding change: c.1563G>A on transcript NM_012431.3 (MANE Select); coding-DNA position 1563, G replaced by A.
Protein change: p.Met521Ile; replaces methionine 521 with isoleucine.
Molecular consequence: missense variant.
Genome position (GRCh38, 1-based): chr7:83,392,659, C>T on the plus strand (G>A on the coding strand, the complement: SEMA3E is on the minus strand). VCF-style: chr7-83392659-C-T. GRCh37 (hg19) VCF-style: chr7-83021975-C-T.
Other names: c.1383G>A, p.Met461Ile (NM_001178129.2); short protein forms M461I, M521I.
Identifiers: ClinVar variation 2634663 (VCV002634663.5), dbSNP rs138211552, ClinGen allele CA4321969.